The following is an entry in ClinVar:

NM_003719.5(PDE8B):c.328_329del (p.Thr110fs)

Gene: PDE8B (phosphodiesterase 8B; plus strand). Cytogenetic location: 5q13.3.
Variant type: Microsatellite.
Coding change: c.328_329del on transcript NM_003719.5 (MANE Select); coding-DNA positions 328 to 329, 2 bases deleted (AC; older notation c.328_329delAC).
Protein change: p.Thr110fs; shifts the reading frame from threonine 110.
Molecular consequence: frameshift variant. On other transcripts: 5 prime UTR variant (1), intron variant (15).
Genome position (GRCh38, 1-based): chr5:77,211,253-77,211,254, AC deleted; deleting any 2 consecutive bases within chr5:77,211,251-77,211,254 gives the same sequence; the c. name uses the placement nearest the transcript's 3' end. VCF-style (leftmost placement, unchanged base first): chr5-77211250-TAC-T. GRCh37 (hg19) VCF-style: chr5-76507075-TAC-T.
Other names: c.328_329del, p.Thr110fs (NM_001029851.4, NM_001029852.4, NM_001029853.4 and 7 more transcripts); c.-44AC[1] (NM_001349753.2); c.-34+92732_-34+92733del (NM_001414622.1, NM_001414623.1); c.36+30767_36+30768del (NM_001349750.3, NM_001376069.1, NM_001376062.1 and 7 more transcripts); c.-34+1207_-34+1208del (NM_001376067.1, NM_001376075.1); c.-31+1207_-31+1208del (NM_001376068.1); short protein forms T110fs.
Identifiers: ClinVar variation 2611068 (VCV002611068.2), dbSNP rs2531989713, ClinGen allele CA2582341585.

ClinVar aggregate classification (germline): Pathogenic (1 of 4 stars; one submission).

Conditions:
Inborn genetic diseases. Identifiers: MedGen C0950123, MeSH D030342.

Submission:

Ambry Genetics
Classification: Pathogenic for Inborn genetic diseases. Last evaluated: 2023-08-16. Review status: criteria provided, single submitter. Criteria: Ambry Variant Classification Scheme 2023. Collection method: clinical testing. Allele origin: germline.
Comment: The c.328_329delAC (p.T110Qfs*33) alteration, located in exon 1 (coding exon 1) of the PDE8B gene, consists of a deletion of 2 nucleotides from position 328 to 329, causing a translational frameshift with a predicted alternate stop codon after 33 amino acids. This alteration is expected to result in loss of function by premature protein truncation or nonsense-mediated mRNA decay. This variant was not reported in population-based cohorts in the Genome Aggregation Database (gnomAD). Based on the available evidence, this alteration is classified as pathogenic.